The following is an entry in ClinVar:

NC_000022.11:g.(?_28687897)_(28725377_?)del

Gene: CHEK2 (checkpoint kinase 2; minus strand). Cytogenetic location: 22q12.1.
Variant type: Deletion.
Identifiers: ClinVar variation 830653 (VCV000830653.8).

ClinVar aggregate classification (germline): Pathogenic (1 of 4 stars; one submission).

Conditions:
Familial cancer of breast. Also called: BREAST CANCER, FAMILIAL; Hereditary breast cancer; hereditary breast carcinoma. Identifiers: Orphanet 227535, MedGen C0346153, MONDO:0016419, OMIM 114480. Disease mechanism: loss of function.

Submission:

Labcorp Genetics (formerly Invitae), Labcorp
Classification: Pathogenic for Familial cancer of breast. Last evaluated: 2022-08-31. Review status: criteria provided, single submitter. Criteria: Invitae Variant Classification Sherloc (09022015). Collection method: clinical testing. Allele origin: germline.
Comment: This variant is a gross deletion of the genomic region encompassing exon(s) 3-15 of the CHEK2 gene, which includes the termination codon. This deletion extends beyond the assayed region for this gene and therefore may encompass additional genes. While this deletion is not anticipated to lead to nonsense mediated decay, it is expected to alter mRNA translation or result in a truncated protein product. This variant has not been reported in the literature in individuals affected with CHEK2-related conditions. This variant disrupts a region of the CHEK2 protein in which other variant(s) (exon 3-4 deletion) have been determined to be pathogenic (PMID: 18004398, 24763289). This suggests that this is a clinically significant region of the protein, and that variants that disrupt it are likely to be disease-causing. For these reasons, this variant has been classified as Pathogenic.

Literature cited by the submitters: PubMed 18004398; PubMed 24763289.